The following is an entry in ClinVar:

NM_207122.2(EXT2):c.238C>T (p.Arg80Trp)

Gene: EXT2 (exostosin glycosyltransferase 2; plus strand). Cytogenetic location: 11p11.2.
Variant type: single nucleotide variant.
Coding change: c.238C>T on transcript NM_207122.2 (MANE Select); coding-DNA position 238, C replaced by T.
Protein change: p.Arg80Trp; replaces arginine 80 with tryptophan.
Molecular consequence: missense variant.
Genome position (GRCh38, 1-based): chr11:44,107,950, C>T. VCF-style: chr11-44107950-C-T. GRCh37 (hg19) VCF-style: chr11-44129500-C-T.
Other names: c.238C>T (NM_207122.1); c.337C>T, p.Arg113Trp (NM_000401.3); c.238C>T, p.Arg80Trp (NM_001178083.3); short protein forms R113W, R80W.
Identifiers: ClinVar variation 1008439 (VCV001008439.10), dbSNP rs755625888, ClinGen allele CA5954846.

ClinVar aggregate classification (germline): Conflicting classifications of pathogenicity. Review status: criteria provided, conflicting classifications (1 of 4 stars). 2 submissions from 2 submitters: Uncertain significance (1); Benign (1). Last evaluated 2026-01-21.

Conditions:
Exostoses, multiple, type 2 (EXT2). Also called: Hereditary Multiple Osteochondromatosis, Type II; EXOSTOSES, MULTIPLE, TYPE II. Identifiers: Orphanet 321, MedGen C1851413, MONDO:0007586, OMIM 133701.

Allele frequency attached by ClinVar (database versions not stated): gnomAD 0.00001; ExAC 0.00003; TOPMed 0.00004; gnomAD exomes 0.00005 and 0.00006.

Submissions (2):

Labcorp Genetics (formerly Invitae), Labcorp
Classification: Benign for Exostoses, multiple, type 2. Last evaluated: 2026-01-21. Review status: criteria provided, single submitter. Criteria: Invitae Variant Classification Sherloc (09022015). Collection method: clinical testing. Allele origin: germline.

GeneDx
Classification: Uncertain significance. Last evaluated: 2024-03-25. Review status: criteria provided, single submitter. Criteria: GeneDx Variant Classification Process June 2021. Collection method: clinical testing. Allele origin: germline. Affected: yes.
Comment: In silico analysis supports that this missense variant has a deleterious effect on protein structure/function; Has not been previously published as pathogenic or benign to our knowledge